The following is an entry in ClinVar:

ClinVar aggregate classification (germline): Uncertain significance. Review status: criteria provided, multiple submitters, no conflicts (2 of 4 stars). 2 submissions from 2 submitters: Uncertain significance (2). Last evaluated 2024-06-24.

Conditions:
Pulmonary hypertension, primary, 2. Identifiers: Orphanet 422, MedGen C3888002, MONDO:0014134, OMIM 615342.

gnomAD v4.1: 16 of 1,613,844 alleles (0.00099%); highest among the groups gnomAD compares: Non-Finnish European, 0.0014%; no homozygotes.

Submissions (2):

Fulgent Genetics
Classification: Uncertain significance for Pulmonary hypertension, primary, 2. Last evaluated: 2024-06-24. Review status: criteria provided, single submitter. Criteria: ACMG Guidelines, 2015. Collection method: clinical testing. Allele origin: germline.

GeneDx
Classification: Uncertain significance. Last evaluated: 2024-03-06. Review status: criteria provided, single submitter. Criteria: GeneDx Variant Classification Process June 2021. Collection method: clinical testing. Allele origin: germline. Affected: yes.
Comment: Has not been previously published as pathogenic or benign to our knowledge; Not observed at significant frequency in large population cohorts (gnomAD); In silico analysis supports that this missense variant has a deleterious effect on protein structure/function

NM_001127217.3(SMAD9):c.1270G>A (p.Ala424Thr)

Gene: SMAD9 (SMAD family member 9; minus strand). Cytogenetic location: 13q13.3.
Variant type: single nucleotide variant.
Coding change: c.1270G>A on transcript NM_001127217.3 (MANE Select); coding-DNA position 1270, G replaced by A.
Protein change: p.Ala424Thr; replaces alanine 424 with threonine.
Molecular consequence: missense variant.
Genome position (GRCh38, 1-based): chr13:36,848,810, C>T on the plus strand (G>A on the coding strand, the complement: SMAD9 is on the minus strand). VCF-style: chr13-36848810-C-T. GRCh37 (hg19) VCF-style: chr13-37422947-C-T.
Other names: c.1159G>A, p.Ala387Thr (NM_001378621.1, NM_005905.6); short protein forms A387T, A424T.
Identifiers: ClinVar variation 3373707 (VCV003373707.2).
Genomic context (GRCh38, chr13:36,848,810, plus strand): 5'-CATGAAGATGAATCTCAATCCAGCAGGGGGTGCTGGTGACATCCTGGCGATGATACTCAG[C>T]ACCCCAACCCTGAAAAACAAGAAAGGAGCTGAGTGATGGTGCCACACTTACACTCAGCCT-3'
Protein context (NP_001120689.1, residues 414-434): IRMSFVKGWG[Ala424Thr]EYHRQDVTST